The following is an entry in ClinVar:

ClinVar aggregate classification (germline): Uncertain significance. Review status: criteria provided, multiple submitters, no conflicts (2 of 4 stars). 2 submissions from 2 submitters: Uncertain significance (2). Last evaluated 2025-08-29.

Conditions:
Hereditary cancer-predisposing syndrome. Also called: Neoplastic Syndromes, Hereditary; Hereditary Cancer Syndrome; Hereditary neoplastic syndrome; Tumor predisposition. Identifiers: Orphanet 140162, MedGen C0027672, MeSH D009386, MONDO:0015356.
DICER1-related tumor predisposition. Also called: DICER1-related pleuropulmonary blastoma cancer predisposition syndrome; DICER1 syndrome. Identifiers: Orphanet 284343, MedGen C3839822, MONDO:0100216.

Submissions (2):

Labcorp Genetics (formerly Invitae), Labcorp
Classification: Uncertain significance for DICER1-related tumor predisposition. Last evaluated: 2025-08-29. Review status: criteria provided, single submitter. Criteria: Invitae Variant Classification Sherloc (09022015). Collection method: clinical testing. Allele origin: germline.
Comment: This sequence change replaces aspartic acid, which is acidic and polar, with asparagine, which is neutral and polar, at codon 1654 of the DICER1 protein (p.Asp1654Asn). This variant is not present in population databases (gnomAD no frequency). This variant has not been reported in the literature in individuals affected with DICER1-related conditions. ClinVar contains an entry for this variant (Variation ID: 825324). Invitae Evidence Modeling of protein sequence and biophysical properties (such as structural, functional, and spatial information, amino acid conservation, physicochemical variation, residue mobility, and thermodynamic stability) indicates that this missense variant is not expected to disrupt DICER1 protein function with a negative predictive value of 95%. In summary, the available evidence is currently insufficient to determine the role of this variant in disease. Therefore, it has been classified as a Variant of Uncertain Significance.

Ambry Genetics
Classification: Uncertain significance for Hereditary cancer-predisposing syndrome. Last evaluated: 2024-08-27. Review status: criteria provided, single submitter. Criteria: Ambry Variant Classification Scheme 2023. Collection method: clinical testing. Allele origin: germline.
Comment: The p.D1654N variant (also known as c.4960G>A), located in coding exon 22 of the DICER1 gene, results from a G to A substitution at nucleotide position 4960. The aspartic acid at codon 1654 is replaced by asparagine, an amino acid with highly similar properties. This amino acid position is highly conserved in available vertebrate species. In addition, this alteration is predicted to be tolerated by in silico analysis. Based on the available evidence, the clinical significance of this variant remains unclear.

NM_177438.3(DICER1):c.4960G>A (p.Asp1654Asn)

Gene: DICER1 (dicer 1, ribonuclease III; minus strand). Cytogenetic location: 14q32.13.
Variant type: single nucleotide variant.
Coding change: c.4960G>A on transcript NM_177438.3 (MANE Select); coding-DNA position 4960, G replaced by A.
Protein change: p.Asp1654Asn; replaces aspartic acid 1654 with asparagine.
Molecular consequence: missense variant.
Genome position (GRCh38, 1-based): chr14:95,095,960, C>T on the plus strand (G>A on the coding strand, the complement: DICER1 is on the minus strand). VCF-style: chr14-95095960-C-T. GRCh37 (hg19) VCF-style: chr14-95562297-C-T.
Other names: c.4960G>A, p.Asp1654Asn (NM_001195573.1, NM_001271282.3, NM_001291628.2 and 1 more transcripts); short protein forms D1654N.
Identifiers: ClinVar variation 825324 (VCV000825324.15), dbSNP rs1595338182, ClinGen allele CA390866222.